The following is an entry in ClinVar:

NM_134261.3(RORA):c.1304G>A (p.Trp435Ter)

Genes: RORA (RAR related orphan receptor A; minus strand), RORA-AS1 (RORA antisense RNA 1; plus strand). Cytogenetic location: 15q22.2.
Variant type: single nucleotide variant.
Coding change: c.1304G>A on transcript NM_134261.3 (MANE Select); coding-DNA position 1304, G replaced by A.
Protein change: p.Trp435Ter; replaces tryptophan 435 with a stop codon.
Molecular consequence: nonsense.
Genome position (GRCh38, 1-based): chr15:60,499,995, C>T on the plus strand (G>A on the coding strand, the complement: RORA is on the minus strand). VCF-style: chr15-60499995-C-T. GRCh37 (hg19) VCF-style: chr15-60792194-C-T.
Other names: c.1379G>A, p.Trp460Ter (NM_002943.4); c.1403G>A, p.Trp468Ter (NM_134260.3); c.1139G>A, p.Trp380Ter (NM_134262.3); short protein forms W380*, W435*, W460*, W468*.
Identifiers: ClinVar variation 2501285 (VCV002501285.1), dbSNP rs2541966112, ClinGen allele CA392667287.

ClinVar aggregate classification (germline): Likely pathogenic (1 of 4 stars; one submission).

Conditions:
Intellectual developmental disorder with or without epilepsy or cerebellar ataxia. Identifiers: MedGen C4748041, MONDO:0060745, OMIM 618060.

Submission:

Women's Health and Genetics/Laboratory Corporation of America, LabCorp
Classification: Likely pathogenic for Intellectual developmental disorder with or without epilepsy or cerebellar ataxia. Last evaluated: 2023-03-28. Review status: criteria provided, single submitter. Criteria: LabCorp Variant Classification Summary - May 2015. Collection method: clinical testing. Allele origin: germline.
Comment: Variant summary: RORA c.1304G>A (p.Trp435X) results in a premature termination codon, predicted to cause a truncation of the encoded protein or absence of the protein due to nonsense mediated decay, which are commonly known mechanisms for disease. A truncation and a missense change downstream of this position have been reported in affected individuals (HGMD), suggesting a functional importance for the deleted protein region. The variant was absent in 249540 control chromosomes (gnomAD). To our knowledge, no occurrence of c.1304G>A in individuals affected with Intellectual Developmental Disorder with or without Epilepsy or Cerebellar Ataxia and no experimental evidence demonstrating its impact on protein function have been reported. No clinical diagnostic laboratories have submitted clinical-significance assessments for this variant to ClinVar after 2014. Based on the evidence outlined above, the variant was classified as likely pathogenic.